The following is an entry in ClinVar:

NM_000138.5(FBN1):c.8385C>T (p.Ile2795=)

Gene: FBN1 (fibrillin 1; minus strand). Cytogenetic location: 15q21.1.
Variant type: single nucleotide variant.
Coding change: c.8385C>T on transcript NM_000138.5 (MANE Select); coding-DNA position 8385, C replaced by T.
Protein change: p.Ile2795=; no amino-acid change (isoleucine 2795 retained).
Molecular consequence: synonymous variant.
Genome position (GRCh38, 1-based): chr15:48,411,221, G>A on the plus strand (C>T on the coding strand, the complement: FBN1 is on the minus strand). VCF-style: chr15-48411221-G-A. GRCh37 (hg19) VCF-style: chr15-48703418-G-A.
Identifiers: ClinVar variation 42444 (VCV000042444.28), dbSNP rs138574576, ClinGen allele CA017713.
Genomic context (GRCh38, chr15:48,411,221, plus strand): 5'-GAGGTAGCTGATCCCTTCCTTTTGGTTGATTTTAAAGAAGCCATCTTCATTTCCAGATTC[G>A]ATCAAGTATCTGTTGTGATTCGTCAGAGTTGTAAGAGCTGGAAGGAGTTCTAGGATTCGA-3'
Protein context (NP_000129.3, residues 2785-2805): TTLTNHNRYL[Ile2795=]ESGNEDGFFK

ClinVar aggregate classification (germline): Benign/Likely benign. Review status: criteria provided, multiple submitters, no conflicts (2 of 4 stars). 9 submissions from 9 submitters: Benign (3); Likely benign (5). 1 of the submissions does not count toward it. Last evaluated 2026-02-03.

Conditions:
Marfan syndrome (MFS). Also called: FBN1-Related Marfan Syndrome; Marfan syndrome, classic; MARFAN SYNDROME, TYPE I; Marfan syndrome type 1; Marfan's syndrome. Identifiers: Orphanet 284963, Orphanet 558, MedGen C0024796, MONDO:0007947, OMIM 154700.
Familial thoracic aortic aneurysm and aortic dissection (TAAD). Also called: Thoracic aortic aneurysms and dissections. Identifiers: Orphanet 91387, MedGen C4707243, MONDO:0019625.
FBN1-related disorder. Also called: FBN1-related disorders.

Allele frequency attached by ClinVar (database versions not stated): gnomAD 0.00048 and 0.00054; TOPMed 0.00050; 1000 Genomes Project 0.00040; 1000 Genomes Project 30x 0.00047; ESP Exome Variant Server 0.00054; ExAC 0.00012.
gnomAD v4.1: 152 of 1,614,038 alleles (0.0094%); highest among the groups gnomAD compares: African/African-American, 0.19%; 1 homozygote.

Submissions (9):

Labcorp Genetics (formerly Invitae), Labcorp
Classification: Benign for Marfan syndrome; Familial thoracic aortic aneurysm and aortic dissection. Last evaluated: 2026-02-03. Review status: criteria provided, single submitter. Criteria: Invitae Variant Classification Sherloc (09022015). Collection method: clinical testing. Allele origin: germline.

All of Us Research Program, National Institutes of Health
Classification: Benign for Marfan syndrome. Last evaluated: 2024-02-05. Review status: criteria provided, single submitter. Criteria: ACMG Guidelines, 2015. Collection method: clinical testing. Allele origin: germline. Inheritance: Autosomal dominant inheritance. Observed: 30 variant alleles, 30 heterozygotes.
Comment: This study involves interpretation of variants in research participants for the purpose of population health screening. Participant phenotype was not available at the time of variant classification. Additional details can be found in publication PMID: 35346344, PMCID: PMC8962531

Blueprint Genetics
Classification: Likely benign. Last evaluated: 2023-07-04. Review status: criteria provided, single submitter. Criteria: ACMG Guidelines, 2015. Collection method: clinical testing. Allele origin: germline.

Ambry Genetics
Classification: Likely benign for Familial thoracic aortic aneurysm and aortic dissection. Last evaluated: 2022-05-20. Review status: criteria provided, single submitter. Criteria: Ambry Variant Classification Scheme 2023. Collection method: clinical testing. Allele origin: germline.

GeneDx
Classification: Likely benign. Last evaluated: 2019-05-23. Review status: criteria provided, single submitter. Criteria: GeneDx Variant Classification Process June 2021. Collection method: clinical testing. Allele origin: germline. Affected: yes.

Color Diagnostics, LLC DBA Color Health
Classification: Benign for Familial thoracic aortic aneurysm and aortic dissection. Last evaluated: 2018-12-31. Review status: criteria provided, single submitter. Criteria: ACMG Guidelines, 2015. Collection method: clinical testing. Allele origin: germline.

CHEO Genetics Diagnostic Laboratory, Children's Hospital of Eastern Ontario
Classification: Likely benign for Familial thoracic aortic aneurysm and aortic dissection. Last evaluated: 2016-11-30. Review status: criteria provided, single submitter. Criteria: ACMG Guidelines, 2015. Collection method: clinical testing. Allele origin: germline. Study: Canadian Open Genetics Repository.

Laboratory for Molecular Medicine, Mass General Brigham Personalized Medicine
Classification: Likely benign. Last evaluated: 2012-02-02. Review status: criteria provided, single submitter. Criteria: LMM Criteria. Collection method: clinical testing. Allele origin: germline. Observed: 1 variant allele.
Comment: Ile2795Ile in exon 65 of FBN1: This variant is not expected to have clinical sig nificance because it does not alter an amino acid residue, is not located near a splice junction, and it has been identified in 0.08% (3/3738) of African Americ an chromosomes by the NHLBI Exome sequencing project in a broad population (rs138574576).

PreventionGenetics, part of Exact Sciences
Classification: Likely benign for FBN1-related condition. Last evaluated: 2019-02-22. Review status: no assertion criteria provided. Collection method: clinical testing. Allele origin: germline. Not counted in ClinVar's aggregate classification.
Comment: This variant is classified as likely benign based on ACMG/AMP sequence variant interpretation guidelines (Richards et al. 2015 PMID: 25741868, with internal and published modifications).